The following is an entry in ClinVar:

NM_004612.4(TGFBR1):c.1063G>A (p.Ala355Thr)

Gene: TGFBR1 (transforming growth factor beta receptor 1; plus strand). Cytogenetic location: 9q22.33.
Variant type: single nucleotide variant.
Coding change: c.1063G>A on transcript NM_004612.4 (MANE Select); coding-DNA position 1063, G replaced by A.
Protein change: p.Ala355Thr; replaces alanine 355 with threonine.
Molecular consequence: missense variant.
Genome position (GRCh38, 1-based): chr9:99,144,821, G>A. VCF-style: chr9-99144821-G-A. GRCh37 (hg19) VCF-style: chr9-101907103-G-A.
Other names: c.1063G>A (NM_004612.2); c.832G>A, p.Ala278Thr (NM_001130916.3, NM_001407435.1); c.1075G>A, p.Ala359Thr (NM_001306210.2); c.907G>A, p.Ala303Thr (NM_001407416.1); c.895G>A, p.Ala299Thr (NM_001407417.1); c.868G>A, p.Ala290Thr (NM_001407418.1, NM_001407419.1, NM_001407420.1 and 1 more transcripts); c.856G>A, p.Ala286Thr (NM_001407423.1, NM_001407424.1, NM_001407425.1 and 8 more transcripts); c.817G>A, p.Ala273Thr (NM_001407436.1); and 2 more; short protein forms A119T, A196T, A273T, A278T, A286T, A290T, A299T, A303T.
Identifiers: ClinVar variation 1718344 (VCV001718344.8), dbSNP rs2118805827, ClinGen allele CA374231503.
Genomic context (GRCh38, chr9:99,144,821, plus strand): 5'-AAATCAAAGAATATCTTGGTAAAGAAGAATGGAACTTGCTGTATTGCAGACTTAGGACTG[G>A]CAGTAAGACATGATTCAGCCACAGATACCATTGATATTGCTCCAAACCACAGAGTGGGAA-3'
Protein context (NP_004603.1, residues 345-365): GTCCIADLGL[Ala355Thr]VRHDSATDTI

ClinVar aggregate classification (germline): Likely pathogenic. Review status: criteria provided, multiple submitters, no conflicts (2 of 4 stars). 2 submissions from 2 submitters: Likely pathogenic (2). Last evaluated 2023-09-09.

Conditions:
Familial thoracic aortic aneurysm and aortic dissection (TAAD). Also called: Thoracic aortic aneurysms and dissections. Identifiers: Orphanet 91387, MedGen C4707243, MONDO:0019625.

Submissions (2):

Ambry Genetics
Classification: Likely pathogenic for Familial thoracic aortic aneurysm and aortic dissection. Last evaluated: 2023-09-09. Review status: criteria provided, single submitter. Criteria: Ambry Variant Classification Scheme 2023. Collection method: clinical testing. Allele origin: germline.
Comment: The p.A355T variant (also known as c.1063G>A), located in coding exon 6 of the TGFBR1 gene, results from a G to A substitution at nucleotide position 1063. The alanine at codon 355 is replaced by threonine, an amino acid with similar properties. This alteration has been detected in individuals with a personal and/or family history that is consistent with Loeys-Dietz syndrome and reported to segregate with disease (Ambry internal data; external communication). This variant is considered to be rare based on population cohorts in the Genome Aggregation Database (gnomAD). This amino acid position is conserved. In addition, this alteration is predicted to be deleterious by in silico analysis. Based on the majority of available evidence to date, this variant is likely to be pathogenic.

Labcorp Genetics (formerly Invitae), Labcorp
Classification: Likely pathogenic for Familial thoracic aortic aneurysm and aortic dissection. Last evaluated: 2023-04-24. Review status: criteria provided, single submitter. Criteria: Invitae Variant Classification Sherloc (09022015). Collection method: clinical testing. Allele origin: germline.
Comment: This sequence change replaces alanine, which is neutral and non-polar, with threonine, which is neutral and polar, at codon 355 of the TGFBR1 protein (p.Ala355Thr). This variant is not present in population databases (gnomAD no frequency). This missense change has been observed in individuals with clinical features of TGFBR1-related conditions (Invitae; external communication). It has also been observed to segregate with disease in related individuals. ClinVar contains an entry for this variant (Variation ID: 1718344). Advanced modeling of protein sequence and biophysical properties (such as structural, functional, and spatial information, amino acid conservation, physicochemical variation, residue mobility, and thermodynamic stability) performed at Invitae indicates that this missense variant is expected to disrupt TGFBR1 protein function. In summary, the currently available evidence indicates that the variant is pathogenic, but additional data are needed to prove that conclusively. Therefore, this variant has been classified as Likely Pathogenic.